The following is an entry in ClinVar:

NM_001023.4(RPS20):c.288G>A (p.Glu96=)

Gene: RPS20 (ribosomal protein S20; minus strand). Cytogenetic location: 8q12.1.
Variant type: single nucleotide variant.
Coding change: c.288G>A on transcript NM_001023.4 (MANE Select); coding-DNA position 288, G replaced by A.
Protein change: p.Glu96=; no amino-acid change (glutamic acid 96 retained).
Molecular consequence: synonymous variant.
Genome position (GRCh38, 1-based): chr8:56,073,162, C>T on the plus strand (G>A on the coding strand, the complement: RPS20 is on the minus strand). VCF-style: chr8-56073162-C-T. GRCh37 (hg19) VCF-style: chr8-56985721-C-T.
Other names: c.288G>A, p.Glu96= (NM_001146227.3).
Identifiers: ClinVar variation 1797276 (VCV001797276.3), dbSNP rs1478408593, ClinGen allele CA460823995.
Genomic context (GRCh38, chr8:56,073,162, plus strand): 5'-AATGGTGACTTCCACCTCAACTCCTGGCTCAATACTGATGGAAGTAATCTGCTTAACAAT[C>T]TCAGAAGGACTGTGCAAGTCAATGAGTCGCTTGTGAATTCTCATCTGGAAACGATCCCAC-3'
Protein context (NP_001014.1, residues 86-106): KRLIDLHSPS[Glu96=]IVKQITSISI

ClinVar aggregate classification (germline): Benign/Likely benign. Review status: criteria provided, multiple submitters, no conflicts (2 of 4 stars). 2 submissions from 2 submitters: Benign (1); Likely benign (1). Last evaluated 2026-08-04.

Conditions:
Familial colorectal cancer type X. Identifiers: Orphanet 440437, MedGen C3896578, MONDO:0018604.

Allele frequency attached by ClinVar (database versions not stated): gnomAD 0.00001; TOPMed 0.00003; gnomAD exomes below 0.00001.
gnomAD v4.1: 4 of 1,599,180 alleles (0.00025%); highest among the groups gnomAD compares: Admixed American, 0.0067%; no homozygotes.

Submissions (2):

Myriad Genetics, Inc.
Classification: Benign for Familial colorectal cancer type X. Last evaluated: 2026-08-04. Review status: criteria provided, single submitter. Criteria: Myriad Autosomal Dominant, Autosomal Recessive and X-Linked Classification Criteria (2023). Collection method: clinical testing. Allele origin: unknown.
Comment: This variant is considered benign. This variant is a silent/synonymous amino acid change and it is not expected to impact splicing.

Ambry Genetics
Classification: Likely benign. Last evaluated: 2022-07-27. Review status: criteria provided, single submitter. Criteria: Ambry Variant Classification Scheme 2023. Collection method: clinical testing. Allele origin: germline.